The following is an entry in ClinVar:

NM_014639.4(SKIC3):c.1513G>T (p.Asp505Tyr)

Gene: SKIC3 (SKI3 subunit of superkiller complex; minus strand). Cytogenetic location: 5q15.
Variant type: single nucleotide variant.
Coding change: c.1513G>T on transcript NM_014639.4 (MANE Select); coding-DNA position 1513, G replaced by T.
Protein change: p.Asp505Tyr; replaces aspartic acid 505 with tyrosine.
Molecular consequence: missense variant.
Genome position (GRCh38, 1-based): chr5:95,523,774, C>A on the plus strand (G>T on the coding strand, the complement: SKIC3 is on the minus strand). VCF-style: chr5-95523774-C-A. GRCh37 (hg19) VCF-style: chr5-94859478-C-A.
Other names: short protein forms D505Y.
Identifiers: ClinVar variation 703298 (VCV000703298.12), dbSNP rs147155719, ClinGen allele CA3347310.
Genomic context (GRCh38, chr5:95,523,774, plus strand): 5'-CATCTAATTCAAAGGCTTTCCTATAACATCCACGAGCTCTGTTTTTATCTCCCACTACGT[C>A]TCTATAATAATGACCTAAATAGCAGAAAACTTTGCCCATATATGTATCCAGTCTTGCAGC-3'
Protein context (NP_055454.1, residues 495-515): VFCYLGHYYR[Asp505Tyr]VVGDKNRARG

ClinVar aggregate classification (germline): Likely benign. Review status: criteria provided, single submitter (1 of 4 stars). 2 submissions from 2 submitters: Likely benign (1). 1 of the submissions does not count toward it. Last evaluated 2025-12-03.

Conditions:
SKIC3-related disorder. Also called: SKIC3-related condition.

Allele frequency attached by ClinVar (database versions not stated): gnomAD 0.00006 and 0.00009; ESP Exome Variant Server 0.00008; gnomAD exomes 0.00011 and 0.00056; 1000 Genomes Project 30x 0.00016; 1000 Genomes Project 0.00020; TOPMed 0.00024; ExAC 0.00048.
gnomAD v4.1: 170 of 1,613,604 alleles (0.011%); highest among the groups gnomAD compares: Admixed American, 0.28%; 2 homozygotes.

Submissions (2):

Labcorp Genetics (formerly Invitae), Labcorp
Classification: Likely benign. Last evaluated: 2025-12-03. Review status: criteria provided, single submitter. Criteria: Invitae Variant Classification Sherloc (09022015). Collection method: clinical testing. Allele origin: germline.

PreventionGenetics, part of Exact Sciences
Classification: Likely benign for SKIC3-related condition. Last evaluated: 2022-04-25. Review status: no assertion criteria provided. Collection method: clinical testing. Allele origin: germline. Not counted in ClinVar's aggregate classification.
Comment: This variant is classified as likely benign based on ACMG/AMP sequence variant interpretation guidelines (Richards et al. 2015 PMID: 25741868, with internal and published modifications).